The following is an entry in ClinVar:

NM_003036.4(SKI):c.1240G>T (p.Ala414Ser)

Gene: SKI (SKI proto-oncogene; plus strand). Cytogenetic location: 1p36.32.
Variant type: single nucleotide variant.
Coding change: c.1240G>T on transcript NM_003036.4 (MANE Select); coding-DNA position 1240, G replaced by T.
Protein change: p.Ala414Ser; replaces alanine 414 with serine.
Molecular consequence: missense variant.
Genome position (GRCh38, 1-based): chr1:2,303,868, G>T. VCF-style: chr1-2303868-G-T. GRCh37 (hg19) VCF-style: chr1-2235307-G-T.
Other names: short protein forms A414S.
Identifiers: ClinVar variation 2769477 (VCV002769477.3), dbSNP rs1640490151, ClinGen allele CA337954839.

ClinVar aggregate classification (germline): Uncertain significance (1 of 4 stars; one submission).

Conditions:
Shprintzen-Goldberg syndrome (SGS). Also called: Marfanoid disorder with craniosynostosis type 1; Marfanoid craniosynostosis syndrome; Shprintzen-Goldberg marfanoid syndrome; SHPRINTZEN-GOLDBERG CRANIOSYNOSTOSIS SYNDROME; CRANIOSYNOSTOSIS WITH ARACHNODACTYLY AND ABDOMINAL HERNIAS. Identifiers: Orphanet 2462, MedGen C1321551, MONDO:0008426, OMIM 182212.

Allele frequency attached by ClinVar (database versions not stated): TOPMed below 0.00001.

Submission:

Labcorp Genetics (formerly Invitae), Labcorp
Classification: Uncertain significance for Shprintzen-Goldberg syndrome. Last evaluated: 2023-11-28. Review status: criteria provided, single submitter. Criteria: Invitae Variant Classification Sherloc (09022015). Collection method: clinical testing. Allele origin: germline.
Comment: This sequence change replaces alanine, which is neutral and non-polar, with serine, which is neutral and polar, at codon 414 of the SKI protein (p.Ala414Ser). This variant is not present in population databases (gnomAD no frequency). This variant has not been reported in the literature in individuals affected with SKI-related conditions. Advanced modeling of protein sequence and biophysical properties (such as structural, functional, and spatial information, amino acid conservation, physicochemical variation, residue mobility, and thermodynamic stability) performed at Invitae indicates that this missense variant is not expected to disrupt SKI protein function with a negative predictive value of 95%. In summary, the available evidence is currently insufficient to determine the role of this variant in disease. Therefore, it has been classified as a Variant of Uncertain Significance.